The following is an entry in ClinVar:

NM_016038.4(SBDS):c.-16T>A

Gene: SBDS (SBDS ribosome maturation factor; minus strand). Cytogenetic location: 7q11.21.
Variant type: single nucleotide variant.
Coding change: c.-16T>A on transcript NM_016038.4 (MANE Select); 16 bases upstream of the start codon, T replaced by A.
Molecular consequence: 5 prime UTR variant.
Genome position (GRCh38, 1-based): chr7:66,995,433, A>T on the plus strand (T>A on the coding strand, the complement: SBDS is on the minus strand). VCF-style: chr7-66995433-A-T. GRCh37 (hg19) VCF-style: chr7-66460420-A-T.
Identifiers: ClinVar variation 1292185 (VCV001292185.4), dbSNP rs182989808, ClinGen allele CA4279294.

ClinVar aggregate classification (germline): Conflicting classifications of pathogenicity. Review status: criteria provided, conflicting classifications (1 of 4 stars). 3 submissions from 3 submitters: Uncertain significance (1); Benign (1); Likely benign (1). Last evaluated 2026-04-02.

Allele frequency attached by ClinVar (database versions not stated): 1000 Genomes Project 30x 0.00016; 1000 Genomes Project 0.00020; gnomAD 0.00051 and 0.00054; ESP Exome Variant Server 0.00054; ExAC 0.00058; gnomAD exomes 0.00062 and 0.00079; TOPMed 0.00062.
gnomAD v4.1: 1,235 of 1,613,100 alleles (0.077%); highest among the groups gnomAD compares: Non-Finnish European, 0.087%; no homozygotes.

Submissions (3):

Women's Health and Genetics/Laboratory Corporation of America, LabCorp
Classification: Uncertain significance. Last evaluated: 2026-04-02. Review status: criteria provided, single submitter. Criteria: LabCorp Variant Classification Summary - May 2015. Collection method: clinical testing. Allele origin: germline.
Comment: Variant summary: SBDS c.-16T>A is located in the untranslated mRNA region upstream of the initiation codon. The variant allele was found at a frequency of 0.00062 in 251036 control chromosomes. This frequency is not significantly higher than estimated for disease-causing variants in SBDS, allowing no conclusion about variant significance. c.-16T>A has been observed in one compound heterozygous individual affected with Shwachman-Diamond syndrome (Palla_2025). The report does not provide unequivocal conclusions about association of the variant with Shwachman-Diamond syndrome 1. To our knowledge, no experimental evidence demonstrating an impact on protein function has been reported. The following publication have been ascertained in the context of this evaluation (PMID: 40209608). ClinVar contains an entry for this variant (Variation ID: 1292185). Based on the evidence outlined above, the variant was classified as uncertain significance.

Blueprint Genetics
Classification: Likely benign. Last evaluated: 2024-10-15. Review status: criteria provided, single submitter. Criteria: ACMG Guidelines, 2015. Collection method: clinical testing. Allele origin: germline.

GeneDx
Classification: Benign. Last evaluated: 2015-03-03. Review status: criteria provided, single submitter. Criteria: GeneDx Variant Classification Process June 2021. Collection method: clinical testing. Allele origin: germline. Affected: yes.

Literature cited by the submitters: PubMed 40209608 (cited by Women's Health and Genetics/Laboratory Corporation of America, LabCorp).